The following is an entry in ClinVar:

NM_001374828.1(ARID1B):c.3715del

Gene: ARID1B (AT-rich interaction domain 1B; plus strand). Cytogenetic location: 6q25.3.
Variant type: Deletion.
Coding change: c.3715del on transcript NM_001374828.1 (MANE Select); coding-DNA position 3715, one base deleted (G; older notation c.3715delG).
Molecular consequence: splice acceptor variant.
Genome position (GRCh38, 1-based): chr6:157,184,231, G deleted; the last of 2 consecutive G bases (chr6:157,184,230-157,184,231); deleting either gives the same sequence. VCF-style (leftmost placement, unchanged base first): chr6-157184229-AG-A. GRCh37 (hg19) VCF-style: chr6-157505363-AG-A.
Identifiers: ClinVar variation 4853980 (VCV004853980.1).

ClinVar aggregate classification (germline): Likely pathogenic (1 of 4 stars; one submission).

Conditions:
Coffin-Siris syndrome 1 (CSS1). Also called: ARID1B-Related Coffin-Siris Syndrome; Mental retardation, autosomal dominant 12. Identifiers: Orphanet 1465, MedGen C3281201, MONDO:0007617, OMIM 135900. Disease mechanism: gain of function.

Submission:

3billion
Classification: Likely pathogenic for Coffin-Siris syndrome 1. Last evaluated: 2025-06-11. Review status: criteria provided, single submitter. Criteria: ACMG Guidelines, 2015. Collection method: clinical testing. Allele origin: germline. Affected: yes.
Comment: The variant is not observed in the gnomAD v4.1.0 dataset. Predicted Consequence/Location: Canonical splice site: predicted to alter splicing and result in a loss or disruption of normal protein function. Multiple pathogenic loss-of-function variants are reported downstream of the variant. In silico tools predict the variant to alter splicing and produce an abnormal transcript [SpliceAI: 1.00 (spliceogenicity >=0.2, non-spliceogenicity <0.1)]. Therefore, this variant is classified as Likely pathogenic according to the recommendation of ACMG/AMP guideline.